The following is an entry in ClinVar:

NM_014953.5(DIS3):c.1394A>G (p.Lys465Arg)

Gene: DIS3 (DIS3 homolog, exosome endoribonuclease and 3'-5' exoribonuclease; minus strand). Cytogenetic location: 13q21.33.
Variant type: single nucleotide variant.
Coding change: c.1394A>G on transcript NM_014953.5 (MANE Select); coding-DNA position 1394, A replaced by G.
Protein change: p.Lys465Arg; replaces lysine 465 with arginine.
Molecular consequence: missense variant.
Genome position (GRCh38, 1-based): chr13:72,772,268, T>C on the plus strand (A>G on the coding strand, the complement: DIS3 is on the minus strand). VCF-style: chr13-72772268-T-C. GRCh37 (hg19) VCF-style: chr13-73346406-T-C.
Other names: c.1304A>G, p.Lys435Arg (NM_001128226.3); c.1025A>G, p.Lys342Arg (NM_001322348.2); c.908A>G, p.Lys303Arg (NM_001322349.2); short protein forms K303R, K342R, K435R, K465R.
Identifiers: ClinVar variation 1337637 (VCV001337637.6), dbSNP rs41286058, ClinGen allele CA7001353.

ClinVar aggregate classification (germline): Benign. Review status: criteria provided, single submitter (1 of 4 stars). 2 submissions from 2 submitters: Benign (1). 1 of the submissions does not count toward it. Last evaluated 2021-05-05.

Conditions:
DIS3-related disorder. Also called: DIS3-related condition.

Allele frequency attached by ClinVar (database versions not stated): 1000 Genomes Project 0.00080; 1000 Genomes Project 30x 0.00094; ExAC 0.00142; TOPMed 0.00144; gnomAD exomes 0.00146 and 0.00231; gnomAD 0.00161 and 0.00168; ESP Exome Variant Server 0.00223.
gnomAD v4.1: 3,582 of 1,609,996 alleles (0.22%); highest among the groups gnomAD compares: Non-Finnish European, 0.29%; 5 homozygotes.

Submissions (2):

Genetic Services Laboratory, University of Chicago
Classification: Benign. Last evaluated: 2021-05-05. Review status: criteria provided, single submitter. Criteria: ACMG Guidelines, 2015. Collection method: clinical testing. Allele origin: germline. Affected: no.

PreventionGenetics, part of Exact Sciences
Classification: Likely benign for DIS3-related condition. Last evaluated: 2020-09-17. Review status: no assertion criteria provided. Collection method: clinical testing. Allele origin: germline. Not counted in ClinVar's aggregate classification.
Comment: This variant is classified as likely benign based on ACMG/AMP sequence variant interpretation guidelines (Richards et al. 2015 PMID: 25741868, with internal and published modifications).